The following is an entry in ClinVar:

ClinVar aggregate classification (germline): Uncertain significance (1 of 4 stars; one submission).

Submission:

Labcorp Genetics (formerly Invitae), Labcorp
Classification: Uncertain significance. Last evaluated: 2021-08-31. Review status: criteria provided, single submitter. Criteria: Invitae Variant Classification Sherloc (09022015). Collection method: clinical testing. Allele origin: germline.
Comment: In summary, the available evidence is currently insufficient to determine the role of this variant in disease. Therefore, it has been classified as a Variant of Uncertain Significance. Experimental studies and prediction algorithms are not available or were not evaluated, and the functional significance of this variant is currently unknown. This variant has not been reported in the literature in individuals affected with EPS8L2-related conditions. A copy number gain of the genomic region encompassing the full coding sequence of the EPS8L2 gene has been identified. The boundaries of this event are unknown as they extend beyond the assayed region for this gene and therefore may encompass additional genes. As the precise location of this event is unknown, it may be in tandem or it may be located elsewhere in the genome.

NC_000011.9:g.(?_709408)_(726981_?)dup

Gene: EPS8L2 (EPS8 signaling adaptor L2; plus strand). Cytogenetic location: 11p15.5.
Variant type: Duplication.
Identifiers: ClinVar variation 1401657 (VCV001401657.4).